The following is an entry in ClinVar:

ClinVar aggregate classification (germline): Uncertain significance (1 of 4 stars; one submission).

Conditions:
Symmetrical dyschromatosis of extremities (DSH). Also called: RETICULATE ACROPIGMENTATION OF DOHI; SYMMETRIC DYSCHROMATOSIS OF THE EXTREMITIES; Dyschromatosis symmetrica hereditaria; DYSCHROMATOSIS SYMMETRICA HEREDITARIA 1. Identifiers: Orphanet 41, MedGen C0406775, MONDO:0007483, OMIM 127400.
Aicardi-Goutieres syndrome 6 (AGS6). Identifiers: Orphanet 51, MedGen C3539013, MONDO:0014007, OMIM 615010.

gnomAD v4.1: 12 of 1,613,752 alleles (0.00074%); highest among the groups gnomAD compares: South Asian, 0.0011%; no homozygotes.

Submission:

Labcorp Genetics (formerly Invitae), Labcorp
Classification: Uncertain significance for Aicardi-Goutieres syndrome 6; Symmetrical dyschromatosis of extremities. Last evaluated: 2024-06-05. Review status: criteria provided, single submitter. Criteria: Invitae Variant Classification Sherloc (09022015). Collection method: clinical testing. Allele origin: germline.
Comment: This sequence change replaces alanine, which is neutral and non-polar, with threonine, which is neutral and polar, at codon 376 of the ADAR protein (p.Ala376Thr). This variant is not present in population databases (gnomAD no frequency). This variant has not been reported in the literature in individuals affected with ADAR-related conditions. ClinVar contains an entry for this variant (Variation ID: 1954401). Advanced modeling of protein sequence and biophysical properties (such as structural, functional, and spatial information, amino acid conservation, physicochemical variation, residue mobility, and thermodynamic stability) performed at Invitae indicates that this missense variant is not expected to disrupt ADAR protein function with a negative predictive value of 80%. In summary, the available evidence is currently insufficient to determine the role of this variant in disease. Therefore, it has been classified as a Variant of Uncertain Significance.

NM_001111.5(ADAR):c.1126G>A (p.Ala376Thr)

Gene: ADAR (adenosine deaminase RNA specific; minus strand). Cytogenetic location: 1q21.3.
Variant type: single nucleotide variant.
Coding change: c.1126G>A on transcript NM_001111.5 (MANE Select); coding-DNA position 1126, G replaced by A.
Protein change: p.Ala376Thr; replaces alanine 376 with threonine.
Molecular consequence: missense variant.
Genome position (GRCh38, 1-based): chr1:154,601,516, C>T on the plus strand (G>A on the coding strand, the complement: ADAR is on the minus strand). VCF-style: chr1-154601516-C-T. GRCh37 (hg19) VCF-style: chr1-154573992-C-T.
Other names: c.241G>A, p.Ala81Thr (NM_001025107.3, NM_001193495.2, NM_001365046.1 and 3 more transcripts); c.1153G>A, p.Ala385Thr (NM_001365045.1); c.1126G>A, p.Ala376Thr (NM_015840.4, NM_015841.4); short protein forms A81T, A376T, A385T.
Identifiers: ClinVar variation 1954401 (VCV001954401.5), dbSNP rs746152408, ClinGen allele CA342598540.
Genomic context (GRCh38, chr1:154,601,516, plus strand): 5'-TGGGTATATTACAGGTGAGGAACTCTGCGTTTCTTTTGGTCTCAGGGATTGCAGCTGGAG[C>T]GGTTTCAGGAACACTGTTCGTATTTCTCTTGATTTGCATCCTCTCTCGCTTCTTGTCTGT-3'
Protein context (NP_001102.3, residues 366-386): KRNTNSVPET[Ala376Thr]PAAIPETKRN